The following is an entry in ClinVar:

ClinVar aggregate classification (germline): Uncertain significance. Review status: criteria provided, multiple submitters, no conflicts (2 of 4 stars). 2 submissions from 2 submitters: Uncertain significance (2). Last evaluated 2024-02-19.

Conditions:
Van Maldergem syndrome 2 (VMLDS2). Identifiers: Orphanet 314679, MedGen C3809875, MONDO:0014242, OMIM 615546.
Hennekam lymphangiectasia-lymphedema syndrome 2 (HKLLS2). Identifiers: Orphanet 2136, MedGen C4014939, MONDO:0014454, OMIM 616006.

Allele frequency attached by ClinVar (database versions not stated): gnomAD exomes below 0.00001 and 0.00001; gnomAD 0.00003; TOPMed 0.00003.
gnomAD v4.1: 8 of 1,600,250 alleles (0.0005%); highest among the groups gnomAD compares: Admixed American, 0.012%; no homozygotes.

Submissions (2):

Fulgent Genetics
Classification: Uncertain significance for Van Maldergem syndrome 2; Hennekam lymphangiectasia-lymphedema syndrome 2. Last evaluated: 2024-02-19. Review status: criteria provided, single submitter. Criteria: ACMG Guidelines, 2015. Collection method: clinical testing. Allele origin: germline.

Labcorp Genetics (formerly Invitae), Labcorp
Classification: Uncertain significance. Last evaluated: 2022-08-09. Review status: criteria provided, single submitter. Criteria: Invitae Variant Classification Sherloc (09022015). Collection method: clinical testing. Allele origin: germline.
Comment: This variant has not been reported in the literature in individuals affected with FAT4-related conditions. This variant is present in population databases (no rsID available, gnomAD 0.006%). This sequence change replaces threonine, which is neutral and polar, with isoleucine, which is neutral and non-polar, at codon 1980 of the FAT4 protein (p.Thr1980Ile). ClinVar contains an entry for this variant (Variation ID: 1445244). In summary, the available evidence is currently insufficient to determine the role of this variant in disease. Therefore, it has been classified as a Variant of Uncertain Significance. Advanced modeling of protein sequence and biophysical properties (such as structural, functional, and spatial information, amino acid conservation, physicochemical variation, residue mobility, and thermodynamic stability) performed at Invitae indicates that this missense variant is not expected to disrupt FAT4 protein function.

NM_001291303.3(FAT4):c.5939C>T (p.Thr1980Ile)

Gene: FAT4 (FAT atypical cadherin 4; plus strand). Cytogenetic location: 4q28.1.
Variant type: single nucleotide variant.
Coding change: c.5939C>T on transcript NM_001291303.3 (MANE Select); coding-DNA position 5939, C replaced by T.
Protein change: p.Thr1980Ile; replaces threonine 1980 with isoleucine.
Molecular consequence: missense variant.
Genome position (GRCh38, 1-based): chr4:125,414,902, C>T. VCF-style: chr4-125414902-C-T. GRCh37 (hg19) VCF-style: chr4-126336057-C-T.
Other names: c.5939C>T, p.Thr1980Ile (NM_001291285.3, NM_024582.6); c.5939C>T (NM_024582.5); short protein forms T1980I.
Identifiers: ClinVar variation 1445244 (VCV001445244.5), dbSNP rs1458249935, ClinGen allele CA358126521.
Genomic context (GRCh38, chr4:125,414,902, plus strand): 5'-CAGCATATGTTTAAGAAAATTTTTTCTTCCCTTTAATTTCAGGCATCAACTCTCAATTGA[C>T]TTATAGCATTGCTTCAGGTGATAGCCTTGGGCAGTTTACTGTTGACAAGAATGGTGTACT-3'
Protein context (NP_001278232.1, residues 1970-1990): DADDGINSQL[Thr1980Ile]YSIASGDSLG